The following is an entry in ClinVar:

NM_022356.4(P3H1):c.895T>C (p.Phe299Leu)

Gene: P3H1 (prolyl 3-hydroxylase 1; minus strand). Cytogenetic location: 1p34.2.
Variant type: single nucleotide variant.
Coding change: c.895T>C on transcript NM_022356.4 (MANE Select); coding-DNA position 895, T replaced by C.
Protein change: p.Phe299Leu; replaces phenylalanine 299 with leucine.
Molecular consequence: missense variant.
Genome position (GRCh38, 1-based): chr1:42,758,897, A>G on the plus strand (T>C on the coding strand, the complement: P3H1 is on the minus strand). VCF-style: chr1-42758897-A-G. GRCh37 (hg19) VCF-style: chr1-43224568-A-G.
Other names: c.895T>C, p.Phe299Leu (NM_001146289.2, NM_001243246.2); short protein forms F299L.
Identifiers: ClinVar variation 2200837 (VCV002200837.1), dbSNP rs747191223, ClinGen allele CA802044.
Genomic context (GRCh38, chr1:42,758,897, plus strand): 5'-GAAAGTAGGCCTTACTGTTATAGTAGGCAAACTGCAGATAATTATAATGCGATGGGAGGA[A>G]GTCTTCAAAGGGCTTCTCTCGACTTGGGTGGGAAGCAAGCTCCGTGACACAGTTCTGCTT-3'
Protein context (NP_071751.3, residues 289-309): HPSREKPFED[Phe299Leu]LPSHYNYLQF

ClinVar aggregate classification (germline): Uncertain significance (1 of 4 stars; one submission).

Conditions:
Osteogenesis imperfecta type 8 (OI8). Identifiers: MedGen C1970458, MONDO:0012581, OMIM 610915.

Allele frequency attached by ClinVar (database versions not stated): TOPMed below 0.00001; gnomAD 0.00001; gnomAD exomes 0.00001; ExAC 0.00002.

Submission:

Labcorp Genetics (formerly Invitae), Labcorp
Classification: Uncertain significance for Osteogenesis imperfecta type 8. Last evaluated: 2022-05-06. Review status: criteria provided, single submitter. Criteria: Invitae Variant Classification Sherloc (09022015). Collection method: clinical testing. Allele origin: germline.
Comment: This sequence change replaces phenylalanine, which is neutral and non-polar, with leucine, which is neutral and non-polar, at codon 299 of the P3H1 protein (p.Phe299Leu). This variant is present in population databases (rs747191223, gnomAD 0.006%). This variant has not been reported in the literature in individuals affected with P3H1-related conditions. Algorithms developed to predict the effect of missense changes on protein structure and function (SIFT, PolyPhen-2, Align-GVGD) all suggest that this variant is likely to be tolerated. In summary, the available evidence is currently insufficient to determine the role of this variant in disease. Therefore, it has been classified as a Variant of Uncertain Significance.